The following is an entry in ClinVar:

ClinVar aggregate classification (germline): Uncertain significance (1 of 4 stars; one submission).

Submission:

Labcorp Genetics (formerly Invitae), Labcorp
Classification: Uncertain significance. Last evaluated: 2023-02-10. Review status: criteria provided, single submitter. Criteria: Invitae Variant Classification Sherloc (09022015). Collection method: clinical testing. Allele origin: germline.
Comment: Experimental studies and prediction algorithms are not available or were not evaluated, and the functional significance of this variant is currently unknown. In summary, the available evidence is currently insufficient to determine the role of this variant in disease. Therefore, it has been classified as a Variant of Uncertain Significance. This variant has not been reported in the literature in individuals affected with PPP2R5D-related conditions. This variant is not present in population databases (gnomAD no frequency). This sequence change creates a premature translational stop signal (p.Gln557Argfs*3) in the PPP2R5D gene. While this is not anticipated to result in nonsense mediated decay, it is expected to disrupt the last 46 amino acid(s) of the PPP2R5D protein.

NM_006245.4(PPP2R5D):c.1669del (p.Gln557fs)

Gene: PPP2R5D (protein phosphatase 2 regulatory subunit B'delta; plus strand). Cytogenetic location: 6p21.1.
Variant type: Deletion.
Coding change: c.1669del on transcript NM_006245.4 (MANE Select); coding-DNA position 1669, one base deleted (C; older notation c.1669delC).
Protein change: p.Gln557fs; shifts the reading frame from glutamine 557.
Molecular consequence: frameshift variant.
Genome position (GRCh38, 1-based): chr6:43,010,995, C deleted. VCF-style (leftmost placement, unchanged base first): chr6-43010994-TC-T. GRCh37 (hg19) VCF-style: chr6-42978732-TC-T.
Other names: c.1573del, p.Gln525fs (NM_180976.3); c.1351del, p.Gln451fs (NM_180977.3); c.1216del, p.Gln406fs (NM_001270476.2); short protein forms Q557fs, Q406fs, Q525fs, Q451fs.
Identifiers: ClinVar variation 2836107 (VCV002836107.3), dbSNP rs2532491994, ClinGen allele CA2739273018.